The following is an entry in ClinVar:

ClinVar aggregate classification (germline): Conflicting classifications of pathogenicity. Review status: criteria provided, conflicting classifications (1 of 4 stars). 7 submissions from 7 submitters: Uncertain significance (5); Likely benign (2). Last evaluated 2026-03-02.

Conditions:
Marfan syndrome (MFS). Also called: Marfan syndrome, classic; Marfan syndrome type 1; Marfan's syndrome; FBN1-Related Marfan Syndrome; MARFAN SYNDROME, TYPE I. Identifiers: Orphanet 284963, Orphanet 558, MedGen C0024796, MONDO:0007947, OMIM 154700.
FBN1-related disorder. Also called: FBN1-related disorders.
Weill-Marchesani syndrome 2, dominant. Also called: FBN1-Related Weill-Marchesani Syndrome; Weill-Marchesani Syndrome, Autosomal Dominant. Identifiers: Orphanet 2084, MedGen C1869115, MONDO:0012013, OMIM 608328.
Progeroid and marfanoid aspect-lipodystrophy syndrome. Also called: MARFANOID-PROGEROID SYNDROME; MARFAN-PROGEROID-LIPODYSTROPHY SYNDROME; Marfan lipodystrophy syndrome; MARFANOID-PROGEROID-LIPODYSTROPHY SYNDROME. Identifiers: Orphanet 300382, MedGen C4310796, MONDO:0014831, OMIM 616914.
Acromicric dysplasia (ACMICD). Also called: Acromicric skeletal dysplasia. Identifiers: Orphanet 969, MedGen C0265287, MONDO:0007055, OMIM 102370.
Ectopia lentis 1, isolated, autosomal dominant (ECTOL1). Identifiers: Orphanet 1885, MedGen C3541518, MONDO:0007514, OMIM 129600.
Geleophysic dysplasia 2 (GPHYSD2). Identifiers: Orphanet 2623, MedGen C3280054, MONDO:0013612, OMIM 614185.
MASS syndrome (OCTD). Also called: OVERLAP CONNECTIVE TISSUE DISEASE; MASS PHENOTYPE. Identifiers: MedGen C1858556, MONDO:0011431, OMIM 604308.
Stiff skin syndrome (SSKS). Identifiers: Orphanet 2833, MedGen C1861456, MONDO:0008492, OMIM 184900.
Familial thoracic aortic aneurysm and aortic dissection (TAAD). Also called: Thoracic aortic aneurysms and dissections. Identifiers: Orphanet 91387, MedGen C4707243, MONDO:0019625.

Allele frequency attached by ClinVar (database versions not stated): gnomAD 0.00001; TOPMed 0.00001; gnomAD exomes 0.00002 and 0.00004; ExAC 0.00001.
gnomAD v4.1: 70 of 1,614,036 alleles (0.0043%); highest among the groups gnomAD compares: Non-Finnish European, 0.0052%; no homozygotes.

Submissions (7):

Ambry Genetics
Classification: Uncertain significance for Familial thoracic aortic aneurysm and aortic dissection. Last evaluated: 2026-03-02. Review status: criteria provided, single submitter. Criteria: Ambry Variant Classification Scheme 2023. Collection method: clinical testing. Allele origin: germline.

PreventionGenetics, part of Exact Sciences
Classification: Uncertain significance for FBN1-related condition. Last evaluated: 2026-02-12. Review status: criteria provided, single submitter. Criteria: ACMG Guidelines, 2015. Collection method: clinical testing. Allele origin: germline.
Comment: The FBN1 c.7189A>G variant is predicted to result in the amino acid substitution p.Met2397Val. To our knowledge, this variant has not been reported in the literature. This variant is reported in 0.0035% of alleles in individuals of European (Non-Finnish) descent in gnomAD. At this time, the clinical significance of this variant is uncertain due to the absence of conclusive functional and genetic evidence.

Labcorp Genetics (formerly Invitae), Labcorp
Classification: Likely benign for Marfan syndrome; Familial thoracic aortic aneurysm and aortic dissection. Last evaluated: 2025-09-09. Review status: criteria provided, single submitter. Criteria: Invitae Variant Classification Sherloc (09022015). Collection method: clinical testing. Allele origin: germline.

All of Us Research Program, National Institutes of Health
Classification: Uncertain significance for Marfan syndrome. Last evaluated: 2024-05-14. Review status: criteria provided, single submitter. Criteria: ACMG Guidelines, 2015. Collection method: clinical testing. Allele origin: germline. Inheritance: Autosomal dominant inheritance. Observed: 12 variant alleles, 12 heterozygotes.
Comment: This missense variant replaces methionine with valine at codon 2397 of the FBN1 protein. Computational prediction suggests that this variant may not impact protein structure and function (internally defined REVEL score threshold <= 0.5, PMID: 27666373). To our knowledge, functional studies have not been reported for this variant. This variant has not been reported in individuals affected with cardiovascular disorders in the literature. This variant has been identified in 5/251066 chromosomes in the general population by the Genome Aggregation Database (gnomAD). The available evidence is insufficient to determine the role of this variant in disease conclusively. Therefore, this variant is classified as a Variant of Uncertain Significance.

This study involves interpretation of variants in research participants for the purpose of population health screening. Participant phenotype was not available at the time of variant classification. Additional details can be found in publication PMID: 35346344, PMCID: PMC8962531

Color Diagnostics, LLC DBA Color Health
Classification: Uncertain significance for Familial thoracic aortic aneurysm and aortic dissection. Last evaluated: 2024-04-23. Review status: criteria provided, single submitter. Criteria: ACMG Guidelines, 2015. Collection method: clinical testing. Allele origin: germline.
Comment: This missense variant replaces methionine with valine at codon 2397 of the FBN1 protein. Computational prediction tools indicate that this variant has a neutral impact on protein structure and function. To our knowledge, functional studies have not been reported for this variant. This variant has not been reported in individuals affected with FBN1-related disorders in the literature. This variant has been identified in 5/251066 chromosomes in the general population by the Genome Aggregation Database (gnomAD). The available evidence is insufficient to determine the role of this variant in disease conclusively. Therefore, this variant is classified as a Variant of Uncertain Significance.

Blueprint Genetics
Classification: Likely benign. Last evaluated: 2023-05-19. Review status: criteria provided, single submitter. Criteria: ACMG Guidelines, 2015. Collection method: clinical testing. Allele origin: germline.

Fulgent Genetics
Classification: Uncertain significance for Acromicric dysplasia; Ectopia lentis 1, isolated, autosomal dominant; Marfan syndrome; Stiff skin syndrome; MASS syndrome; Weill-Marchesani syndrome 2, dominant; Geleophysic dysplasia 2; Progeroid and marfanoid aspect-lipodystrophy syndrome. Last evaluated: 2021-09-24. Review status: criteria provided, single submitter. Criteria: ACMG Guidelines, 2015. Collection method: clinical testing. Allele origin: unknown.

NM_000138.5(FBN1):c.7189A>G (p.Met2397Val)

Gene: FBN1 (fibrillin 1; minus strand). Cytogenetic location: 15q21.1.
Variant type: single nucleotide variant.
Coding change: c.7189A>G on transcript NM_000138.5 (MANE Select); coding-DNA position 7189, A replaced by G.
Protein change: p.Met2397Val; replaces methionine 2397 with valine.
Molecular consequence: missense variant.
Genome position (GRCh38, 1-based): chr15:48,427,582, T>C on the plus strand (A>G on the coding strand, the complement: FBN1 is on the minus strand). VCF-style: chr15-48427582-T-C. GRCh37 (hg19) VCF-style: chr15-48719779-T-C.
Other names: short protein forms M2397V.
Identifiers: ClinVar variation 922761 (VCV000922761.22), dbSNP rs774698871, ClinGen allele CA057990.